The following is an entry in ClinVar:

NM_001131016.2(CIZ1):c.2333G>A (p.Gly778Asp)

Gene: CIZ1 (CDKN1A interacting zinc finger protein 1; minus strand). Cytogenetic location: 9q34.11.
Variant type: single nucleotide variant.
Coding change: c.2333G>A on transcript NM_001131016.2 (MANE Select); coding-DNA position 2333, G replaced by A.
Protein change: p.Gly778Asp; replaces glycine 778 with aspartic acid.
Molecular consequence: missense variant.
Genome position (GRCh38, 1-based): chr9:128,167,127, C>T on the plus strand (G>A on the coding strand, the complement: CIZ1 is on the minus strand). VCF-style: chr9-128167127-C-T. GRCh37 (hg19) VCF-style: chr9-130929406-C-T.
Other names: c.2165G>A, p.Gly722Asp (NM_001131015.2); c.2150G>A, p.Gly717Asp (NM_001131017.2); c.2093G>A, p.Gly698Asp (NM_001131018.2); c.2501G>A, p.Gly834Asp (NM_001257975.2); c.2030G>A, p.Gly677Asp (NM_001257976.2); c.2333G>A, p.Gly778Asp (NM_012127.3); short protein forms G717D, G677D, G698D, G722D, G778D, G834D.
Identifiers: ClinVar variation 1417944 (VCV001417944.8), dbSNP rs199622355, ClinGen allele CA5257038.

ClinVar aggregate classification (germline): Uncertain significance (1 of 4 stars; one submission).

Conditions:
Dystonic disorder. Also called: Dystonia. Identifiers: MedGen C0013421, MONDO:0003441, HP:0001332.

Allele frequency attached by ClinVar (database versions not stated): gnomAD 0.00001; 1000 Genomes Project 0.00020; 1000 Genomes Project 30x 0.00031.
gnomAD v4.1: 7 of 1,602,580 alleles (0.00044%); highest among the groups gnomAD compares: East Asian, 0.0045%; no homozygotes.

Submission:

Labcorp Genetics (formerly Invitae), Labcorp
Classification: Uncertain significance for Dystonic disorder. Last evaluated: 2020-11-14. Review status: criteria provided, single submitter. Criteria: Invitae Variant Classification Sherloc (09022015). Collection method: clinical testing. Allele origin: germline.
Comment: This sequence change replaces glycine with aspartic acid at codon 778 of the CIZ1 protein (p.Gly778Asp). The glycine residue is highly conserved and there is a moderate physicochemical difference between glycine and aspartic acid. This variant is present in population databases (rs199622355, ExAC 0.02%). This variant has not been reported in the literature in individuals with CIZ1-related conditions. Algorithms developed to predict the effect of missense changes on protein structure and function output the following: SIFT: "Tolerated"; PolyPhen-2: "Benign"; Align-GVGD: "Class C0". The aspartic acid amino acid residue is found in multiple mammalian species, suggesting that this missense change does not adversely affect protein function. These predictions have not been confirmed by published functional studies and their clinical significance is uncertain. In summary, the available evidence is currently insufficient to determine the role of this variant in disease. Therefore, it has been classified as a Variant of Uncertain Significance.